The following is an entry in ClinVar:

ClinVar aggregate classification (germline): Uncertain significance (1 of 4 stars; one submission).

Submission:

Labcorp Genetics (formerly Invitae), Labcorp
Classification: Uncertain significance. Last evaluated: 2022-11-08. Review status: criteria provided, single submitter. Criteria: Invitae Variant Classification Sherloc (09022015). Collection method: clinical testing. Allele origin: germline.
Comment: This sequence change replaces alanine, which is neutral and non-polar, with serine, which is neutral and polar, at codon 325 of the TBX15 protein (p.Ala325Ser). This variant has not been reported in the literature in individuals affected with TBX15-related conditions. This variant is not present in population databases (gnomAD no frequency). In summary, the available evidence is currently insufficient to determine the role of this variant in disease. Therefore, it has been classified as a Variant of Uncertain Significance. Advanced modeling of protein sequence and biophysical properties (such as structural, functional, and spatial information, amino acid conservation, physicochemical variation, residue mobility, and thermodynamic stability) performed at Invitae indicates that this missense variant is not expected to disrupt TBX15 protein function. ClinVar contains an entry for this variant (Variation ID: 1358031).

NM_001330677.2(TBX15):c.1291G>T (p.Ala431Ser)

Gene: TBX15 (T-box transcription factor 15; minus strand). Cytogenetic location: 1p12.
Variant type: single nucleotide variant.
Coding change: c.1291G>T on transcript NM_001330677.2 (MANE Select); coding-DNA position 1291, G replaced by T.
Protein change: p.Ala431Ser; replaces alanine 431 with serine.
Molecular consequence: missense variant.
Genome position (GRCh38, 1-based): chr1:118,885,250, C>A on the plus strand (G>T on the coding strand, the complement: TBX15 is on the minus strand). VCF-style: chr1-118885250-C-A. GRCh37 (hg19) VCF-style: chr1-119427873-C-A.
Other names: c.973G>T, p.Ala325Ser (NM_152380.3); short protein forms A325S, A431S.
Identifiers: ClinVar variation 1358031 (VCV001358031.8), dbSNP rs2101423000, ClinGen allele CA341432829.